The following is an entry in ClinVar:

NM_020975.6(RET):c.547G>A (p.Gly183Ser)

Gene: RET (ret proto-oncogene; plus strand). Cytogenetic location: 10q11.21.
Variant type: single nucleotide variant.
Coding change: c.547G>A on transcript NM_020975.6 (MANE Select); coding-DNA position 547, G replaced by A.
Protein change: p.Gly183Ser; replaces glycine 183 with serine.
Molecular consequence: missense variant.
Genome position (GRCh38, 1-based): chr10:43,102,551, G>A. VCF-style: chr10-43102551-G-A. GRCh37 (hg19) VCF-style: chr10-43597999-G-A.
Other names: c.547G>A, p.Gly183Ser (NM_000323.2, NM_001406743.1, NM_001406744.1 and 16 more transcripts); c.418G>A, p.Gly140Ser (NM_001406761.1, NM_001406762.1, NM_001406764.1 and 4 more transcripts); short protein forms G183S, G140S.
Identifiers: ClinVar variation 405544 (VCV000405544.15), dbSNP rs1060500760, ClinGen allele CA16613001.
Genomic context (GRCh38, chr10:43,102,551, plus strand): 5'-CGGGAGCTCTGCTTCCCAGAGACAAGGCCCTCCTTCCGCATTCGGGAGAACCGACCCCCA[G>A]GCACCTTCCACCAGTTCCGCCTGCTGCCTGTGCAGTTCTTGTGCCCCAACATCAGCGTGG-3'
Protein context (NP_066124.1, residues 173-193): SFRIRENRPP[Gly183Ser]TFHQFRLLPV

ClinVar aggregate classification (germline): Uncertain significance. Review status: criteria provided, multiple submitters, no conflicts (2 of 4 stars). 3 submissions from 3 submitters: Uncertain significance (3). Last evaluated 2025-03-28.

Conditions:
Hereditary cancer-predisposing syndrome. Also called: Hereditary Cancer Syndrome; Hereditary neoplastic syndrome; Neoplastic Syndromes, Hereditary; Tumor predisposition. Identifiers: Orphanet 140162, MedGen C0027672, MeSH D009386, MONDO:0015356.
Multiple endocrine neoplasia, type 2 (MEN2). Identifiers: Orphanet 653, MedGen C4048306, MONDO:0019003. Disease mechanism: gain of function.

Allele frequency attached by ClinVar (database versions not stated): gnomAD exomes below 0.00001; gnomAD 0.00001; TOPMed 0.00001.

Submissions (3):

Ambry Genetics
Classification: Uncertain significance for Hereditary cancer-predisposing syndrome. Last evaluated: 2025-03-28. Review status: criteria provided, single submitter. Criteria: Ambry Variant Classification Scheme 2023. Collection method: clinical testing. Allele origin: germline.
Comment: The p.G183S variant (also known as c.547G>A), located in coding exon 3 of the RET gene, results from a G to A substitution at nucleotide position 547. The glycine at codon 183 is replaced by serine, an amino acid with similar properties. This amino acid position is highly conserved in available vertebrate species. In addition, the in silico prediction for this alteration is inconclusive. Since supporting evidence is limited at this time, the clinical significance of this alteration remains unclear.

Labcorp Genetics (formerly Invitae), Labcorp
Classification: Uncertain significance for Multiple endocrine neoplasia, type 2. Last evaluated: 2024-08-28. Review status: criteria provided, single submitter. Criteria: Invitae Variant Classification Sherloc (09022015). Collection method: clinical testing. Allele origin: germline.
Comment: This sequence change replaces glycine, which is neutral and non-polar, with serine, which is neutral and polar, at codon 183 of the RET protein (p.Gly183Ser). This variant is not present in population databases (gnomAD no frequency). This variant has not been reported in the literature in individuals affected with RET-related conditions. ClinVar contains an entry for this variant (Variation ID: 405544). An algorithm developed to predict the effect of missense changes on protein structure and function (PolyPhen-2) suggests that this variant is likely to be disruptive. In summary, the available evidence is currently insufficient to determine the role of this variant in disease. Therefore, it has been classified as a Variant of Uncertain Significance.

All of Us Research Program, National Institutes of Health
Classification: Uncertain significance for Multiple endocrine neoplasia, type 2. Last evaluated: 2023-11-20. Review status: criteria provided, single submitter. Criteria: ACMG Guidelines, 2015. Collection method: clinical testing. Allele origin: germline. Inheritance: Autosomal dominant inheritance. Observed: 1 variant allele, 1 heterozygote.
Comment: This missense variant replaces glycine with serine at codon 183 of the RET protein. Computational prediction is inconclusive regarding the impact of this variant on protein structure and function (internally defined REVEL score threshold 0.5 < inconclusive < 0.7, PMID: 27666373). To our knowledge, functional studies have not been reported for this variant. This variant has not been reported in individuals affected with RET-related disorders in the literature. This variant has not been identified in the general population by the Genome Aggregation Database (gnomAD). The available evidence is insufficient to determine the role of this variant in disease conclusively. Therefore, this variant is classified as a Variant of Uncertain Significance.

This study involves interpretation of variants in research participants for the purpose of population health screening. Participant phenotype was not available at the time of variant classification. Additional details can be found in publication PMID: 35346344, PMCID: PMC8962531